The following is an entry in ClinVar:

ClinVar aggregate classification (germline): Uncertain significance. Review status: criteria provided, multiple submitters, no conflicts (2 of 4 stars). 3 submissions from 3 submitters: Uncertain significance (3). Last evaluated 2026-02-11.

Conditions:
SGSH-related disorder. Also called: SGSH-related condition.
Mucopolysaccharidosis, MPS-III-A (MPS3A). Also called: HEPARAN SULFATE SULFATASE DEFICIENCY; SANFILIPPO SYNDROME A; SULFAMIDASE DEFICIENCY; MPS III A; Mucopolysaccharidosis, type IIIA; MUCOPOLYSACCHARIDOSIS, TYPE IIIA, ATTENUATED. Identifiers: Orphanet 581, Orphanet 79269, MedGen C0086647, MONDO:0009655, OMIM 252900.
Inborn genetic diseases. Identifiers: MedGen C0950123, MeSH D030342.

Allele frequency attached by ClinVar (database versions not stated): ExAC 0.00003; gnomAD 0.00001; TOPMed 0.00004.
gnomAD v4.1: 68 of 1,609,514 alleles (0.0042%); highest among the groups gnomAD compares: Non-Finnish European, 0.005%; no homozygotes.

Submissions (3):

PreventionGenetics, part of Exact Sciences
Classification: Uncertain significance for SGSH-related condition. Last evaluated: 2026-02-11. Review status: criteria provided, single submitter. Criteria: ACMG Guidelines, 2015. Collection method: clinical testing. Allele origin: germline.
Comment: The SGSH c.350G>A variant is predicted to result in the amino acid substitution p.Arg117His. To our knowledge, this variant has not been reported in the literature. This variant is reported in 0.010% of alleles in individuals of East Asian descent in gnomAD. At this time, the clinical significance of this variant is uncertain due to the absence of conclusive functional and genetic evidence.

Ambry Genetics
Classification: Uncertain significance for Inborn genetic diseases. Last evaluated: 2025-05-01. Review status: criteria provided, single submitter. Criteria: Ambry Variant Classification Scheme 2023. Collection method: clinical testing. Allele origin: germline.

Labcorp Genetics (formerly Invitae), Labcorp
Classification: Uncertain significance for Mucopolysaccharidosis, MPS-III-A. Last evaluated: 2022-09-07. Review status: criteria provided, single submitter. Criteria: Invitae Variant Classification Sherloc (09022015). Collection method: clinical testing. Allele origin: germline.
Comment: This sequence change replaces arginine, which is basic and polar, with histidine, which is basic and polar, at codon 117 of the SGSH protein (p.Arg117His). This variant is present in population databases (rs769633955, gnomAD 0.006%). This variant has not been reported in the literature in individuals affected with SGSH-related conditions. Algorithms developed to predict the effect of missense changes on protein structure and function output the following: SIFT: "Tolerated"; PolyPhen-2: "Benign"; Align-GVGD: "Class C0". The histidine amino acid residue is found in multiple mammalian species, which suggests that this missense change does not adversely affect protein function. In summary, the available evidence is currently insufficient to determine the role of this variant in disease. Therefore, it has been classified as a Variant of Uncertain Significance.

NM_000199.5(SGSH):c.350G>A (p.Arg117His)

Gene: SGSH (N-sulfoglucosamine sulfohydrolase; minus strand). Cytogenetic location: 17q25.3.
Variant type: single nucleotide variant.
Coding change: c.350G>A on transcript NM_000199.5 (MANE Select); coding-DNA position 350, G replaced by A.
Protein change: p.Arg117His; replaces arginine 117 with histidine.
Molecular consequence: missense variant.
Genome position (GRCh38, 1-based): chr17:80,215,038, C>T on the plus strand (G>A on the coding strand, the complement: SGSH is on the minus strand). VCF-style: chr17-80215038-C-T. GRCh37 (hg19) VCF-style: chr17-78188837-C-T.
Other names: c.350G>A (NM_000199.3); c.350G>A, p.Arg117His (NM_001352921.3, NM_001352922.2); short protein forms R117H.
Identifiers: ClinVar variation 2065088 (VCV002065088.6), dbSNP rs769633955, ClinGen allele CA8818076.